The following is an entry in ClinVar:

NM_001130965.3(SUN1):c.361A>G (p.Thr121Ala)

Gene: SUN1 (Sad1 and UNC84 domain containing 1; plus strand). Cytogenetic location: 7p22.3.
Variant type: single nucleotide variant.
Coding change: c.361A>G on transcript NM_001130965.3 (MANE Select); coding-DNA position 361, A replaced by G.
Protein change: p.Thr121Ala; replaces threonine 121 with alanine.
Molecular consequence: missense variant. On other transcripts: 5 prime UTR variant (4), non-coding transcript variant (3).
Genome position (GRCh38, 1-based): chr7:842,040, A>G. VCF-style: chr7-842040-A-G. GRCh37 (hg19) VCF-style: chr7-881677-A-G.
Other names: c.361A>G, p.Thr121Ala (NM_001171944.2, NM_001171946.2, NM_001367633.1 and 34 more transcripts); c.424A>G, p.Thr142Ala (NM_001171945.2); c.-97A>G (NM_001367635.1); c.211A>G, p.Thr71Ala (NM_001367636.1, NM_001367637.1, NM_001367644.1 and 24 more transcripts); c.-207A>G (NM_001367639.1, NM_001367708.1); c.580A>G, p.Thr194Ala (NM_001367651.1); c.-401A>G (NM_001367658.1); c.172A>G, p.Thr58Ala (NM_001367695.1); short protein forms T194A, T71A, T121A, T142A, T58A.
Identifiers: ClinVar variation 3704247 (VCV003704247.2).
Genomic context (GRCh38, chr7:842,040, plus strand): 5'-GCTTTTAGTATCAACCACGTGTCAAGGCAGGTCACGTCCTCTGGCGTCAGCCACGGCGGC[A>G]CTGTCAGCCTGCAGGATGCTGTGACTCGACGGCCTCCTGTATTGGACGAGTCTTGGATTC-3'
Protein context (NP_001124437.1, residues 111-131): VTSSGVSHGG[Thr121Ala]VSLQDAVTRR

ClinVar aggregate classification (germline): Uncertain significance (1 of 4 stars; one submission).

Conditions:
Emery-Dreifuss muscular dystrophy (EDMD). Also called: Scapuloperoneal syndrome, X-linked (formerly); Humeroperoneal neuromuscular disease, (formerly). Identifiers: Orphanet 261, MedGen C0410189, MONDO:0016830.

gnomAD v4.1: 10 of 1,614,110 alleles (0.00062%); highest among the groups gnomAD compares: Non-Finnish European, 0.00076%; no homozygotes.

Submission:

Labcorp Genetics (formerly Invitae), Labcorp
Classification: Uncertain significance for Emery-Dreifuss muscular dystrophy. Last evaluated: 2024-06-28. Review status: criteria provided, single submitter. Criteria: Invitae Variant Classification Sherloc (09022015). Collection method: clinical testing. Allele origin: germline.
Comment: This sequence change replaces threonine, which is neutral and polar, with alanine, which is neutral and non-polar, at codon 121 of the SUN1 protein (p.Thr121Ala). This variant is present in population databases (rs753262058, gnomAD 0.002%). This variant has not been reported in the literature in individuals affected with SUN1-related conditions. Algorithms developed to predict the effect of missense changes on protein structure and function output the following: SIFT: "Not Available"; PolyPhen-2: "Benign"; Align-GVGD: "Not Available". The alanine amino acid residue is found in multiple mammalian species, which suggests that this missense change does not adversely affect protein function. In summary, the available evidence is currently insufficient to determine the role of this variant in disease. Therefore, it has been classified as a Variant of Uncertain Significance.